The following is an entry in ClinVar:

NM_005061.3(RPL3L):c.289C>T (p.Arg97Ter)

Gene: RPL3L (ribosomal protein L3 like; minus strand). Cytogenetic location: 16p13.3.
Variant type: single nucleotide variant.
Coding change: c.289C>T on transcript NM_005061.3 (MANE Select); coding-DNA position 289, C replaced by T.
Protein change: p.Arg97Ter; replaces arginine 97 with a stop codon.
Molecular consequence: nonsense.
Genome position (GRCh38, 1-based): chr16:1,952,950, G>A on the plus strand (C>T on the coding strand, the complement: RPL3L is on the minus strand). VCF-style: chr16-1952950-G-A. GRCh37 (hg19) VCF-style: chr16-2002951-G-A.
Other names: short protein forms R97*.
Identifiers: ClinVar variation 4527447 (VCV004527447.1).

ClinVar aggregate classification (germline): Uncertain significance (1 of 4 stars; one submission).

gnomAD v4.1: 37 of 1,613,778 alleles (0.0023%); highest among the groups gnomAD compares: East Asian, 0.025%; no homozygotes.

Submission:

GeneDx
Classification: Uncertain significance. Last evaluated: 2025-04-25. Review status: criteria provided, single submitter. Criteria: GeneDx Variant Classification Process June 2021. Collection method: clinical testing. Allele origin: germline. Affected: yes.
Comment: Nonsense variant predicted to result in protein truncation or nonsense mediated decay in a gene or region of a gene for which loss of function is not a well-established mechanism of disease; Has not been previously published as pathogenic or benign to our knowledge